The following is an entry in ClinVar:

NM_001042492.3(NF1):c.502T>G (p.Ser168Ala)

Gene: NF1 (neurofibromin 1; plus strand). Cytogenetic location: 17q11.2.
Variant type: single nucleotide variant.
Coding change: c.502T>G on transcript NM_001042492.3 (MANE Select); coding-DNA position 502, T replaced by G.
Protein change: p.Ser168Ala; replaces serine 168 with alanine.
Molecular consequence: missense variant.
Genome position (GRCh38, 1-based): chr17:31,169,913, T>G. VCF-style: chr17-31169913-T-G. GRCh37 (hg19) VCF-style: chr17-29496931-T-G.
Other names: c.502T>G, p.Ser168Ala (NM_000267.4, NM_001128147.3); short protein forms S168A.
Identifiers: ClinVar variation 3879096 (VCV003879096.1).

ClinVar aggregate classification (germline): Uncertain significance (1 of 4 stars; one submission).

Conditions:
Cardiovascular phenotype. Identifiers: MedGen CN230736.
Hereditary cancer-predisposing syndrome. Also called: Tumor predisposition; Neoplastic Syndromes, Hereditary; Hereditary Cancer Syndrome; Hereditary neoplastic syndrome. Identifiers: Orphanet 140162, MedGen C0027672, MeSH D009386, MONDO:0015356.

gnomAD v4.1: 1 of 1,605,934 alleles (0.000062%); highest among the groups gnomAD compares: South Asian, 0.0011%; no homozygotes.

Submission:

Ambry Genetics
Classification: Uncertain significance for Cardiovascular phenotype; Hereditary cancer-predisposing syndrome. Last evaluated: 2025-02-21. Review status: criteria provided, single submitter. Criteria: Ambry Variant Classification Scheme 2023. Collection method: clinical testing. Allele origin: germline.
Comment: The p.S168A variant (also known as c.502T>G), located in coding exon 5 of the NF1 gene, results from a T to G substitution at nucleotide position 502. The serine at codon 168 is replaced by alanine, an amino acid with similar properties. This amino acid position is highly conserved in available vertebrate species. In addition, this alteration is predicted to be tolerated by in silico analysis. Based on the available evidence, the clinical significance of this variant remains unclear.